The following is an entry in ClinVar:

NM_004628.5(XPC):c.*684G>C

Gene: XPC (XPC complex subunit, DNA damage recognition and repair factor; minus strand). Cytogenetic location: 3p25.1.
Variant type: single nucleotide variant.
Coding change: c.*684G>C on transcript NM_004628.5 (MANE Select); 684 bases downstream of the stop codon, G replaced by C.
Molecular consequence: 3 prime UTR variant. On other transcripts: non-coding transcript variant (2).
Genome position (GRCh38, 1-based): chr3:14,145,257, C>G on the plus strand (G>C on the coding strand, the complement: XPC is on the minus strand). VCF-style: chr3-14145257-C-G. GRCh37 (hg19) VCF-style: chr3-14186757-C-G.
Other names: c.*684G>C (NM_001354726.2, NM_001354727.2, NM_001354729.2 and 1 more transcripts).
Identifiers: ClinVar variation 343550 (VCV000343550.7), dbSNP rs1126547, ClinGen allele CA2266952.

ClinVar aggregate classification (germline): Benign/Likely benign. Review status: criteria provided, multiple submitters, no conflicts (2 of 4 stars). 2 submissions from 2 submitters: Benign (1); Likely benign (1). Last evaluated 2018-01-13.

Conditions:
Xeroderma pigmentosum, group C (XPC). Also called: Xeroderma pigmentosum, complementation group C; XERODERMA PIGMENTOSUM III; XP, GROUP C; XPC-Related Xeroderma Pigmentosum. Identifiers: Orphanet 910, MedGen C2752147, MONDO:0010211, OMIM 278720.

Allele frequency attached by ClinVar (database versions not stated): TOPMed 0.88502; gnomAD exomes 0.88734; 1000 Genomes Project 30x 0.91490; 1000 Genomes Project 0.91893.

Submissions (2):

Illumina Laboratory Services, Illumina
Classification: Benign for Xeroderma pigmentosum, group C. Last evaluated: 2018-01-13. Review status: criteria provided, single submitter. Criteria: ICSL Variant Classification Criteria 13 December 2019. Collection method: clinical testing. Allele origin: germline.
Comment: This variant was observed in the ICSL laboratory as part of a predisposition screen in an ostensibly healthy population. It had not been previously curated by ICSL or reported in the Human Gene Mutation Database (HGMD: prior to June 1st, 2018), and was therefore a candidate for classification through an automated scoring system. Utilizing variant allele frequency, disease prevalence and penetrance estimates, and inheritance mode, an automated score was calculated to assess if this variant is too frequent to cause the disease. Based on the score and internal cut-off values, a variant classified as benign is not then subjected to further curation. The score for this variant resulted in a classification of benign for this disease.

Breakthrough Genomics
Classification: Likely benign. Review status: criteria provided, single submitter. Criteria: ACMG Guidelines, 2015. Collection method: not provided. Allele origin: germline. Inheritance: Autosomal recessive inheritance. Affected: yes.